The following is an entry in ClinVar:

NM_152564.5(VPS13B):c.8769C>G (p.Pro2923=)

Gene: VPS13B (vacuolar protein sorting 13 homolog B; plus strand). Cytogenetic location: 8q22.2.
Variant type: single nucleotide variant.
Coding change: c.8769C>G on transcript NM_152564.5 (MANE Select); coding-DNA position 8769, C replaced by G.
Protein change: p.Pro2923=; no amino-acid change (proline 2923 retained).
Molecular consequence: synonymous variant.
Genome position (GRCh38, 1-based): chr8:99,819,559, C>G. VCF-style: chr8-99819559-C-G. GRCh37 (hg19) VCF-style: chr8-100831787-C-G.
Other names: c.8844C>G, p.Pro2948= (NM_017890.5); c.8769C>G (NM_152564.4).
Identifiers: ClinVar variation 1149463 (VCV001149463.10), dbSNP rs1814245219, ClinGen allele CA462339529.

ClinVar aggregate classification (germline): Likely benign. Review status: criteria provided, single submitter (1 of 4 stars). 2 submissions from 2 submitters: Likely benign (1). 1 of the submissions does not count toward it. Last evaluated 2025-05-18.

Conditions:
Cohen syndrome (COH1). Also called: Cutis verticis gyrata, retinitis pigmentosa, and sensorineural deafness; PEPPER SYNDROME. Identifiers: Orphanet 193, MedGen C0265223, MONDO:0008999, OMIM 216550.
VPS13B-related disorder. Also called: VPS13B-related condition.

Allele frequency attached by ClinVar (database versions not stated): gnomAD exomes below 0.00001; gnomAD 0.00001.
gnomAD v4.1: 4 of 1,613,508 alleles (0.00025%); highest among the groups gnomAD compares: Admixed American, 0.0033%; no homozygotes.

Submissions (2):

Labcorp Genetics (formerly Invitae), Labcorp
Classification: Likely benign for Cohen syndrome. Last evaluated: 2025-05-18. Review status: criteria provided, single submitter. Criteria: Invitae Variant Classification Sherloc (09022015). Collection method: clinical testing. Allele origin: germline.

PreventionGenetics, part of Exact Sciences
Classification: Likely benign for VPS13B-related condition. Last evaluated: 2021-11-12. Review status: no assertion criteria provided. Collection method: clinical testing. Allele origin: germline. Not counted in ClinVar's aggregate classification.
Comment: This variant is classified as likely benign based on ACMG/AMP sequence variant interpretation guidelines (Richards et al. 2015 PMID: 25741868, with internal and published modifications).